The following is an entry in ClinVar:

ClinVar aggregate classification (germline): Uncertain significance (1 of 4 stars; one submission).

Submission:

Labcorp Genetics (formerly Invitae), Labcorp
Classification: Uncertain significance. Last evaluated: 2025-12-15. Review status: criteria provided, single submitter. Criteria: Invitae Variant Classification Sherloc (09022015). Collection method: clinical testing. Allele origin: germline.
Comment: This sequence change replaces arginine, which is basic and polar, with histidine, which is basic and polar, at codon 2255 of the SRCAP protein (p.Arg2255His). This variant is present in population databases (no rsID available, gnomAD 0.006%). This variant has not been reported in the literature in individuals affected with SRCAP-related conditions. Invitae Evidence Modeling of protein sequence and biophysical properties (such as structural, functional, and spatial information, amino acid conservation, physicochemical variation, residue mobility, and thermodynamic stability) indicates that this missense variant is not expected to disrupt SRCAP protein function with a negative predictive value of 80%. In summary, the available evidence is currently insufficient to determine the role of this variant in disease. Therefore, it has been classified as a Variant of Uncertain Significance.

NM_006662.3(SRCAP):c.6764G>A (p.Arg2255His)

Gene: SRCAP (Snf2 related CREBBP activator protein; plus strand). Cytogenetic location: 16p11.2.
Variant type: single nucleotide variant.
Coding change: c.6764G>A on transcript NM_006662.3 (MANE Select); coding-DNA position 6764, G replaced by A.
Protein change: p.Arg2255His; replaces arginine 2255 with histidine.
Molecular consequence: missense variant.
Genome position (GRCh38, 1-based): chr16:30,736,234, G>A. VCF-style: chr16-30736234-G-A. GRCh37 (hg19) VCF-style: chr16-30747555-G-A.
Other names: short protein forms R2255H.
Identifiers: ClinVar variation 4690578 (VCV004690578.1).